The following is an entry in ClinVar:

ClinVar aggregate classification (germline): Uncertain significance. Review status: criteria provided, multiple submitters, no conflicts (2 of 4 stars). 2 submissions from 2 submitters: Uncertain significance (2). Last evaluated 2025-01-06.

Conditions:
Inborn genetic diseases. Identifiers: MedGen C0950123, MeSH D030342.

gnomAD v4.1: 1 of 1,614,216 alleles (0.000062%); highest among the groups gnomAD compares: Non-Finnish European, 0.000085%; no homozygotes.

Submissions (2):

Labcorp Genetics (formerly Invitae), Labcorp
Classification: Uncertain significance. Last evaluated: 2025-01-06. Review status: criteria provided, single submitter. Criteria: Invitae Variant Classification Sherloc (09022015). Collection method: clinical testing. Allele origin: germline.
Comment: This sequence change replaces glycine, which is neutral and non-polar, with arginine, which is basic and polar, at codon 98 of the COL7A1 protein (p.Gly98Arg). This variant is not present in population databases (gnomAD no frequency). This variant has not been reported in the literature in individuals affected with COL7A1-related conditions. Invitae Evidence Modeling of protein sequence and biophysical properties (such as structural, functional, and spatial information, amino acid conservation, physicochemical variation, residue mobility, and thermodynamic stability) indicates that this missense variant is not expected to disrupt COL7A1 protein function with a negative predictive value of 95%. In summary, the available evidence is currently insufficient to determine the role of this variant in disease. Therefore, it has been classified as a Variant of Uncertain Significance.

Ambry Genetics
Classification: Uncertain significance for Inborn genetic diseases. Last evaluated: 2024-06-18. Review status: criteria provided, single submitter. Criteria: Ambry Variant Classification Scheme 2023. Collection method: clinical testing. Allele origin: germline.

NM_000094.4(COL7A1):c.292G>C (p.Gly98Arg)

Gene: COL7A1 (collagen type VII alpha 1 chain; minus strand). Cytogenetic location: 3p21.31.
Variant type: single nucleotide variant.
Coding change: c.292G>C on transcript NM_000094.4 (MANE Select); coding-DNA position 292, G replaced by C.
Protein change: p.Gly98Arg; replaces glycine 98 with arginine.
Molecular consequence: missense variant.
Genome position (GRCh38, 1-based): chr3:48,593,671, C>G on the plus strand (G>C on the coding strand, the complement: COL7A1 is on the minus strand). VCF-style: chr3-48593671-C-G. GRCh37 (hg19) VCF-style: chr3-48631104-C-G.
Other names: short protein forms G98R.
Identifiers: ClinVar variation 3268855 (VCV003268855.3).
Genomic context (GRCh38, chr3:48,593,671, plus strand): 5'-GAGTGTTGCCCCCCTTGTAGCTAAGCTCACGGATGGCGCGGATCACATCACCCCCAGAGC[C>G]AAGTGCATCCAGGCCGAACTCTGTCCTGTTGGAGGGTAGGGGTGGCAACAGGCTAGGACT-3'
Protein context (NP_000085.1, residues 88-108): PRTEFGLDAL[Gly98Arg]SGGDVIRAIR